The following is an entry in ClinVar:

NM_001029883.3(PCARE):c.364C>T (p.His122Tyr)

Gene: PCARE (photoreceptor cilium actin regulator; minus strand). Cytogenetic location: 2p23.2.
Variant type: single nucleotide variant.
Coding change: c.364C>T on transcript NM_001029883.3 (MANE Select); coding-DNA position 364, C replaced by T.
Protein change: p.His122Tyr; replaces histidine 122 with tyrosine.
Molecular consequence: missense variant.
Genome position (GRCh38, 1-based): chr2:29,073,898, G>A on the plus strand (C>T on the coding strand, the complement: PCARE is on the minus strand). VCF-style: chr2-29073898-G-A. GRCh37 (hg19) VCF-style: chr2-29296764-G-A.
Other names: short protein forms H122Y.
Identifiers: ClinVar variation 1967657 (VCV001967657.5), dbSNP rs1340975262, ClinGen allele CA346482467.

ClinVar aggregate classification (germline): Uncertain significance (1 of 4 stars; one submission).

Allele frequency attached by ClinVar (database versions not stated): gnomAD exomes below 0.00001; TOPMed below 0.00001.
gnomAD v4.1: 2 of 1,614,214 alleles (0.00012%); highest among the groups gnomAD compares: South Asian, 0.0022%; no homozygotes.

Submission:

Labcorp Genetics (formerly Invitae), Labcorp
Classification: Uncertain significance. Last evaluated: 2022-02-17. Review status: criteria provided, single submitter. Criteria: Invitae Variant Classification Sherloc (09022015). Collection method: clinical testing. Allele origin: germline.
Comment: In summary, the available evidence is currently insufficient to determine the role of this variant in disease. Therefore, it has been classified as a Variant of Uncertain Significance. Algorithms developed to predict the effect of missense changes on protein structure and function are either unavailable or do not agree on the potential impact of this missense change (SIFT: "Tolerated"; PolyPhen-2: "Possibly Damaging"; Align-GVGD: "Class C0"). This variant has not been reported in the literature in individuals affected with PCARE-related conditions. This variant is not present in population databases (gnomAD no frequency). This sequence change replaces histidine, which is basic and polar, with tyrosine, which is neutral and polar, at codon 122 of the PCARE protein (p.His122Tyr).